The following is an entry in ClinVar:

ClinVar aggregate classification (germline): Likely benign (0 of 4 stars; one submission).

Conditions:
TBXT-related disorder. Also called: TBXT-related condition.

Allele frequency attached by ClinVar (database versions not stated): ExAC 0.00005; TOPMed 0.00011; gnomAD 0.00015; ESP Exome Variant Server 0.00023.
gnomAD v4.1: 43 of 1,606,890 alleles (0.0027%); highest among the groups gnomAD compares: African/African-American, 0.044%; no homozygotes.

Submission:

PreventionGenetics, part of Exact Sciences
Classification: Likely benign for TBXT-related condition. Last evaluated: 2019-03-07. Review status: no assertion criteria provided. Collection method: clinical testing. Allele origin: germline.
Comment: This variant is classified as likely benign based on ACMG/AMP sequence variant interpretation guidelines (Richards et al. 2015 PMID: 25741868, with internal and published modifications).

NM_001366285.2(TBXT):c.1110C>T (p.Asn370=)

Gene: TBXT (T-box transcription factor T; minus strand). Cytogenetic location: 6q27.
Variant type: single nucleotide variant.
Coding change: c.1110C>T on transcript NM_001366285.2 (MANE Select); coding-DNA position 1110, C replaced by T.
Protein change: p.Asn370=; no amino-acid change (asparagine 370 retained).
Molecular consequence: synonymous variant.
Genome position (GRCh38, 1-based): chr6:166,158,516, G>A on the plus strand (C>T on the coding strand, the complement: TBXT is on the minus strand). VCF-style: chr6-166158516-G-A. GRCh37 (hg19) VCF-style: chr6-166572004-G-A.
Other names: c.933C>T, p.Asn311= (NM_001270484.2); c.1110C>T, p.Asn370= (NM_001366286.2); c.1107C>T, p.Asn369= (NM_003181.4).
Identifiers: ClinVar variation 3038579 (VCV003038579.2), dbSNP rs369470652, ClinGen allele CA4092858.